The following is an entry in ClinVar:

NM_001080414.4(CCDC88C):c.4864A>G (p.Thr1622Ala)

Gene: CCDC88C (coiled-coil and HOOK domain protein 88C; minus strand). Cytogenetic location: 14q32.11.
Variant type: single nucleotide variant.
Coding change: c.4864A>G on transcript NM_001080414.4 (MANE Select); coding-DNA position 4864, A replaced by G.
Protein change: p.Thr1622Ala; replaces threonine 1622 with alanine.
Molecular consequence: missense variant.
Genome position (GRCh38, 1-based): chr14:91,278,116, T>C on the plus strand (A>G on the coding strand, the complement: CCDC88C is on the minus strand). VCF-style: chr14-91278116-T-C. GRCh37 (hg19) VCF-style: chr14-91744460-T-C.
Other names: c.4864A>G (NM_001080414.3); short protein forms T1622A.
Identifiers: ClinVar variation 1184360 (VCV001184360.6), dbSNP rs1014956719, ClinGen allele CA265524048.

ClinVar aggregate classification (germline): Conflicting classifications of pathogenicity. Review status: criteria provided, conflicting classifications (1 of 4 stars). 4 submissions from 4 submitters: Uncertain significance (3); Likely benign (1). Last evaluated 2024-10-14.

Conditions:
Inborn genetic diseases. Identifiers: MedGen C0950123, MeSH D030342.
Hydrocephalus, nonsyndromic, autosomal recessive 1 (HYC1). Also called: Congenital hydrocephalus 1; Hydrocephalus, nonsyndromic, autosomal recessive. Identifiers: Orphanet 2185, MedGen C3887608, MONDO:0009360, OMIM 236600.

Allele frequency attached by ClinVar (database versions not stated): gnomAD exomes below 0.00001 and 0.00001; gnomAD 0.00001 and 0.00002.
gnomAD v4.1: 22 of 1,613,196 alleles (0.0014%); highest among the groups gnomAD compares: Middle Eastern, 0.05%; no homozygotes.

Submissions (4):

Labcorp Genetics (formerly Invitae), Labcorp
Classification: Uncertain significance. Last evaluated: 2024-10-14. Review status: criteria provided, single submitter. Criteria: Invitae Variant Classification Sherloc (09022015). Collection method: clinical testing. Allele origin: germline.
Comment: This sequence change replaces threonine, which is neutral and polar, with alanine, which is neutral and non-polar, at codon 1622 of the CCDC88C protein (p.Thr1622Ala). This variant is present in population databases (no rsID available, gnomAD 0.0009%). This variant has not been reported in the literature in individuals affected with CCDC88C-related conditions. ClinVar contains an entry for this variant (Variation ID: 1184360). An algorithm developed to predict the effect of missense changes on protein structure and function outputs the following: PolyPhen-2: "Benign". The alanine amino acid residue is found in multiple mammalian species, which suggests that this missense change does not adversely affect protein function. In summary, the available evidence is currently insufficient to determine the role of this variant in disease. Therefore, it has been classified as a Variant of Uncertain Significance.

Blueprint Genetics
Classification: Likely benign. Last evaluated: 2024-01-08. Review status: criteria provided, single submitter. Criteria: ACMG Guidelines, 2015. Collection method: clinical testing. Allele origin: germline.

Ambry Genetics
Classification: Uncertain significance for Inborn genetic diseases. Last evaluated: 2021-07-13. Review status: criteria provided, single submitter. Criteria: Ambry Variant Classification Scheme 2023. Collection method: clinical testing. Allele origin: germline.

New York Genome Center
Classification: Uncertain significance for Hydrocephalus, nonsyndromic, autosomal recessive 1. Last evaluated: 2020-07-03. Review status: criteria provided, single submitter. Criteria: NYGC Assertion Criteria 2020. Collection method: clinical testing. Allele origin: inherited. Observed: 1 heterozygote. Study: CSER-NYCKidSeq.